The following is an entry in ClinVar:

NM_001035.3(RYR2):c.6003A>T (p.Glu2001Asp)

Gene: RYR2 (ryanodine receptor 2; plus strand). Cytogenetic location: 1q43.
Variant type: single nucleotide variant.
Coding change: c.6003A>T on transcript NM_001035.3 (MANE Select); coding-DNA position 6003, A replaced by T.
Protein change: p.Glu2001Asp; replaces glutamic acid 2001 with aspartic acid.
Molecular consequence: missense variant.
Genome position (GRCh38, 1-based): chr1:237,623,851, A>T. VCF-style: chr1-237623851-A-T. GRCh37 (hg19) VCF-style: chr1-237787151-A-T.
Other names: short protein forms E2001D.
Identifiers: ClinVar variation 4756765 (VCV004756765.1).

ClinVar aggregate classification (germline): Uncertain significance (1 of 4 stars; one submission).

Conditions:
Cardiomyopathy (CMYO). Also called: Cardiomyopathies. Identifiers: Orphanet 167848, MedGen C0878544, MONDO:0004994, HP:0001638. Inheritance: Various modes of inheritance.

Submission:

Color Diagnostics, LLC DBA Color Health
Classification: Uncertain significance for Cardiomyopathy. Last evaluated: 2025-05-25. Review status: criteria provided, single submitter. Criteria: ACMG Guidelines, 2015. Collection method: clinical testing. Allele origin: germline.
Comment: This missense variant replaces glutamic acid with aspartic acid at codon 2001 of the RYR2 protein. Computational prediction suggests that this variant may not impact protein structure and function. To our knowledge, functional studies have not been reported for this variant. This variant has not been reported in individuals affected with RYR2-related disorders in the literature. This variant has not been identified in the general population by the Genome Aggregation Database (gnomAD). The available evidence is insufficient to determine the role of this variant in disease conclusively. Therefore, this variant is classified as a Variant of Uncertain Significance.